The following is an entry in ClinVar:

NM_001206927.2(DNAH8):c.13378T>A (p.Ser4460Thr)

Gene: DNAH8 (dynein axonemal heavy chain 8; plus strand). Cytogenetic location: 6p21.2.
Variant type: single nucleotide variant.
Coding change: c.13378T>A on transcript NM_001206927.2 (MANE Select); coding-DNA position 13378, T replaced by A.
Protein change: p.Ser4460Thr; replaces serine 4460 with threonine.
Molecular consequence: missense variant.
Genome position (GRCh38, 1-based): chr6:39,012,221, T>A. VCF-style: chr6-39012221-T-A. GRCh37 (hg19) VCF-style: chr6-38979997-T-A.
Other names: c.12727T>A, p.Ser4243Thr (NM_001371.4); short protein forms S4460T, S4243T.
Identifiers: ClinVar variation 525232 (VCV000525232.6), dbSNP rs1488366198, ClinGen allele CA363993069.

ClinVar aggregate classification (germline): Uncertain significance (1 of 4 stars; one submission).

Conditions:
Primary ciliary dyskinesia. Also called: Ciliary dyskinesia. Identifiers: Orphanet 244, MedGen C0008780, MONDO:0016575, HP:0012265.

Allele frequency attached by ClinVar (database versions not stated): gnomAD exomes below 0.00001.
gnomAD v4.1: 5 of 1,602,278 alleles (0.00031%); highest among the groups gnomAD compares: African/African-American, 0.004%; no homozygotes.

Submission:

Labcorp Genetics (formerly Invitae), Labcorp
Classification: Uncertain significance for Primary ciliary dyskinesia. Last evaluated: 2022-05-24. Review status: criteria provided, single submitter. Criteria: Invitae Variant Classification Sherloc (09022015). Collection method: clinical testing. Allele origin: germline.
Comment: In summary, the available evidence is currently insufficient to determine the role of this variant in disease. Therefore, it has been classified as a Variant of Uncertain Significance. Algorithms developed to predict the effect of missense changes on protein structure and function are either unavailable or do not agree on the potential impact of this missense change (SIFT: "Deleterious"; PolyPhen-2: "Not Available"; Align-GVGD: "Class C0"). ClinVar contains an entry for this variant (Variation ID: 525232). This variant has not been reported in the literature in individuals affected with DNAH8-related conditions. This variant is present in population databases (no rsID available, gnomAD 0.003%). This sequence change replaces serine, which is neutral and polar, with threonine, which is neutral and polar, at codon 4460 of the DNAH8 protein (p.Ser4460Thr).